The following is an entry in ClinVar:

NM_004304.5(ALK):c.3241A>G (p.Ser1081Gly)

Gene: ALK (ALK receptor tyrosine kinase; minus strand). Cytogenetic location: 2p23.2.
Variant type: single nucleotide variant.
Coding change: c.3241A>G on transcript NM_004304.5 (MANE Select); coding-DNA position 3241, A replaced by G.
Protein change: p.Ser1081Gly; replaces serine 1081 with glycine.
Molecular consequence: missense variant.
Genome position (GRCh38, 1-based): chr2:29,223,460, T>C on the plus strand (A>G on the coding strand, the complement: ALK is on the minus strand). VCF-style: chr2-29223460-T-C. GRCh37 (hg19) VCF-style: chr2-29446326-T-C.
Other names: c.37A>G, p.Ser13Gly (NM_001353765.2); short protein forms S1081G, S13G.
Identifiers: ClinVar variation 3524351 (VCV003524351.1).

ClinVar aggregate classification (germline): Uncertain significance (1 of 4 stars; one submission).

Conditions:
Hereditary cancer-predisposing syndrome. Also called: Hereditary Cancer Syndrome; Hereditary neoplastic syndrome; Tumor predisposition; Neoplastic Syndromes, Hereditary. Identifiers: Orphanet 140162, MedGen C0027672, MeSH D009386, MONDO:0015356.

Submission:

Ambry Genetics
Classification: Uncertain significance for Hereditary cancer-predisposing syndrome. Last evaluated: 2024-08-16. Review status: criteria provided, single submitter. Criteria: Ambry Variant Classification Scheme 2023. Collection method: clinical testing. Allele origin: germline.
Comment: The p.S1081G variant (also known as c.3241A>G), located in coding exon 20 of the ALK gene, results from an A to G substitution at nucleotide position 3241. The serine at codon 1081 is replaced by glycine, an amino acid with similar properties. This amino acid position is conserved. In addition, the in silico prediction for this alteration is inconclusive. Based on the available evidence, the clinical significance of this variant remains unclear.